The following is an entry in ClinVar:

ClinVar aggregate classification (germline): Uncertain significance (1 of 4 stars; one submission).

Submission:

Women's Health and Genetics/Laboratory Corporation of America, LabCorp
Classification: Uncertain significance. Last evaluated: 2025-01-14. Review status: criteria provided, single submitter. Criteria: LabCorp Variant Classification Summary - May 2015. Collection method: clinical testing. Allele origin: germline.
Comment: Variant summary: IGSF1 c.667G>A (p.Gly223Arg) results in a non-conservative amino acid change in the encoded protein sequence in the last nucleotide of exon 5 adjacent to the exon 5 / intron 5 splice donor site. Four of five in-silico tools predict a damaging effect of the variant on protein function. Several computational tools predict a significant impact on normal splicing: Four predict the variant weakens or abolishes a 5' donor site. However, these predictions have yet to be confirmed by functional studies. The variant was absent in 156253 control chromosomes. The available data on variant occurrences in the general population are insufficient to allow any conclusion about variant significance. To our knowledge, no occurrence of c.667G>A in individuals affected with X-Linked Central Congenital Hypothyroidism With Late-Onset Testicular Enlargement and no experimental evidence demonstrating its impact on protein function have been reported. No submitters have cited clinical-significance assessments for this variant to ClinVar. Based on the evidence outlined above, the variant was classified as uncertain significance.

NM_001555.5(IGSF1):c.667G>A (p.Gly223Arg)

Gene: IGSF1 (immunoglobulin superfamily member 1; minus strand). Cytogenetic location: Xq26.1.
Variant type: single nucleotide variant.
Coding change: c.667G>A on transcript NM_001555.5 (MANE Select); coding-DNA position 667, G replaced by A.
Protein change: p.Gly223Arg; replaces glycine 223 with arginine.
Molecular consequence: missense variant.
Genome position (GRCh38, 1-based): chrX:131,285,179, C>T on the plus strand (G>A on the coding strand, the complement: IGSF1 is on the minus strand). VCF-style: chrX-131285179-C-T. GRCh37 (hg19) VCF-style: chrX-130419153-C-T.
Other names: c.667G>A, p.Gly223Arg (NM_001170961.2); c.640G>A, p.Gly214Arg (NM_001170962.2); c.667G>A, p.Gly223Ser (NM_001170963.2, NM_205833.4); short protein forms G214R, G223R, G223S.
Identifiers: ClinVar variation 3769111 (VCV003769111.2).